The following is an entry in ClinVar:

ClinVar aggregate classification (germline): Pathogenic (1 of 4 stars; one submission).

Conditions:
Familial cancer of breast. Also called: Hereditary breast cancer; BREAST CANCER, FAMILIAL; hereditary breast carcinoma. Identifiers: Orphanet 227535, MedGen C0346153, MONDO:0016419, OMIM 114480. Disease mechanism: loss of function.

Submission:

Myriad Genetics, Inc.
Classification: Pathogenic for Familial cancer of breast. Last evaluated: 2023-09-06. Review status: criteria provided, single submitter. Criteria: Myriad Autosomal Dominant, Autosomal Recessive and X-Linked Classification Criteria (2023). Collection method: clinical testing. Allele origin: unknown.
Comment: This variant is considered pathogenic. This variant creates a frameshift predicted to result in premature protein truncation.

NM_024675.4(PALB2):c.373del (p.Gln125fs)

Gene: PALB2 (partner and localizer of BRCA2; minus strand). Cytogenetic location: 16p12.2.
Variant type: Deletion.
Coding change: c.373del on transcript NM_024675.4 (MANE Select); coding-DNA position 373, one base deleted (C; older notation c.373delC).
Protein change: p.Gln125fs; shifts the reading frame from glutamine 125.
Molecular consequence: frameshift variant. On other transcripts: 5 prime UTR variant (8), intron variant (3).
Genome position (GRCh38, 1-based): chr16:23,636,173, G deleted on the plus strand (C on the coding strand, the reverse complement: PALB2 is on the minus strand); the first of 3 consecutive G bases (chr16:23,636,173-23,636,175); deleting any one gives the same sequence. VCF-style (leftmost placement, unchanged base first): chr16-23636172-TG-T. GRCh37 (hg19) VCF-style: chr16-23647493-TG-T.
Other names: c.313del, p.Gln105fs (NM_001407296.1); c.373del, p.Gln125fs (NM_001407297.1, NM_001407298.1, NM_001407299.1 and 3 more transcripts); c.-513del (NM_001407304.1, NM_001407305.1, NM_001407306.1 and 5 more transcripts); c.48+4937del (NM_001407314.1); c.-105+4937del (NM_001407313.1, NM_001407312.1); short protein forms Q105fs, Q125fs.
Identifiers: ClinVar variation 2673871 (VCV002673871.1), dbSNP rs2506514549, ClinGen allele CA2695197554.